The following is an entry in ClinVar:

NM_000138.5(FBN1):c.5746_5748dup (p.Cys1916dup)

Gene: FBN1 (fibrillin 1; minus strand). Cytogenetic location: 15q21.1.
Variant type: Duplication.
Coding change: c.5746_5748dup on transcript NM_000138.5 (MANE Select); coding-DNA positions 5746 to 5748, 3 bases duplicated (TGC; older notation c.5746_5748dupTGC).
Protein change: p.Cys1916dup; duplicates cysteine 1916.
Molecular consequence: inframe insertion.
Genome position (GRCh38, 1-based): chr15:48,446,746-48,446,748, GCA duplicated on the plus strand (TGC on the coding strand, the reverse complement: FBN1 is on the minus strand); duplicating any 3 consecutive bases within chr15:48,446,746-48,446,750 gives the same sequence; the c. name uses the placement nearest the transcript's 3' end. VCF-style (leftmost placement, unchanged base first): chr15-48446745-T-TGCA. GRCh37 (hg19) VCF-style: chr15-48738942-T-TGCA.
Other names: c.5746_5748dupTGC (NM_000138.4).
Identifiers: ClinVar variation 642992 (VCV000642992.8), dbSNP rs1597533588, ClinGen allele CA915945985.
Genomic context (GRCh38, chr15:48,446,745, plus strand): 5'-TGCACAATTTTGCACACGCACCTATACAGTCATTGTTGTGAGAAAGGATGAAACCATGAT[T>TGCA]GCAGCGGCAGTTGAAGGAACCAATTGTGTTCCGGCAAGTTCCATTCCCACAGGCATCTCT-3'

ClinVar aggregate classification (germline): Uncertain significance (1 of 4 stars; one submission).

Conditions:
Familial thoracic aortic aneurysm and aortic dissection (TAAD). Also called: Thoracic aortic aneurysms and dissections. Identifiers: Orphanet 91387, MedGen C4707243, MONDO:0019625.
Marfan syndrome (MFS). Also called: FBN1-Related Marfan Syndrome; Marfan syndrome type 1; Marfan's syndrome; Marfan syndrome, classic; MARFAN SYNDROME, TYPE I. Identifiers: Orphanet 284963, Orphanet 558, MedGen C0024796, MONDO:0007947, OMIM 154700.

Submission:

Labcorp Genetics (formerly Invitae), Labcorp
Classification: Uncertain significance for Marfan syndrome; Familial thoracic aortic aneurysm and aortic dissection. Last evaluated: 2018-10-11. Review status: criteria provided, single submitter. Criteria: Invitae Variant Classification Sherloc (09022015). Collection method: clinical testing. Allele origin: germline.
Comment: This variant, c.5746_5748dupTGC, results in the insertion of 1 amino acid(s) to the FBN1 protein (p.Cys1916dup), but otherwise preserves the integrity of the reading frame. This variant is not present in population databases (ExAC no frequency). This variant has not been reported in the literature in individuals with FBN1-related disease. Experimental studies and prediction algorithms are not available for this variant, and the functional significance of the affected amino acid(s) is currently unknown. In summary, the available evidence is currently insufficient to determine the role of this variant in disease. Therefore, it has been classified as a Variant of Uncertain Significance.